The following is an entry in ClinVar:

NM_032043.3(BRIP1):c.773A>C (p.Gln258Pro)

Gene: BRIP1 (BRCA1 interacting DNA helicase 1; minus strand). Cytogenetic location: 17q23.2.
Variant type: single nucleotide variant.
Coding change: c.773A>C on transcript NM_032043.3 (MANE Select); coding-DNA position 773, A replaced by C.
Protein change: p.Gln258Pro; replaces glutamine 258 with proline.
Molecular consequence: missense variant.
Genome position (GRCh38, 1-based): chr17:61,808,612, T>G on the plus strand (A>C on the coding strand, the complement: BRIP1 is on the minus strand). VCF-style: chr17-61808612-T-G. GRCh37 (hg19) VCF-style: chr17-59885973-T-G.
Other names: short protein forms Q258P.
Identifiers: ClinVar variation 579453 (VCV000579453.12), dbSNP rs1567838078, ClinGen allele CA400484939.

ClinVar aggregate classification (germline): Uncertain significance. Review status: criteria provided, multiple submitters, no conflicts (2 of 4 stars). 2 submissions from 2 submitters: Uncertain significance (2). Last evaluated 2020-05-11.

Conditions:
Hereditary cancer-predisposing syndrome. Also called: Hereditary neoplastic syndrome; Tumor predisposition; Hereditary Cancer Syndrome; Neoplastic Syndromes, Hereditary. Identifiers: Orphanet 140162, MedGen C0027672, MeSH D009386, MONDO:0015356.
Fanconi anemia complementation group J. Also called: BRIP1-Related Fanconi Anemia. Identifiers: Orphanet 84, MedGen C1836860, MONDO:0012187, OMIM 609054.
Familial cancer of breast. Also called: hereditary breast carcinoma; BREAST CANCER, FAMILIAL; Hereditary breast cancer. Identifiers: Orphanet 227535, MedGen C0346153, MONDO:0016419, OMIM 114480. Disease mechanism: loss of function.

Allele frequency attached by ClinVar (database versions not stated): gnomAD exomes below 0.00001.
gnomAD v4.1: 1 of 1,614,024 alleles (0.000062%); highest among the groups gnomAD compares: Non-Finnish European, 0.000085%; no homozygotes.

Submissions (2):

Color Diagnostics, LLC DBA Color Health
Classification: Uncertain significance for Hereditary cancer-predisposing syndrome. Last evaluated: 2020-05-11. Review status: criteria provided, single submitter. Criteria: ACMG Guidelines, 2015. Collection method: clinical testing. Allele origin: germline.
Comment: This missense variant replaces glutamine with proline at codon 258 of the BRIP1 protein. Computational prediction suggests that this variant may have deleterious impact on protein structure and function (internally defined REVEL score threshold >= 0.7, PMID: 27666373). To our knowledge, functional studies have not been reported for this variant. This variant has not been reported in individuals affected with hereditary cancer in the literature. This variant has not been identified in the general population by the Genome Aggregation Database (gnomAD). The available evidence is insufficient to determine the role of this variant in disease conclusively. Therefore, this variant is classified as a Variant of Uncertain Significance.

Labcorp Genetics (formerly Invitae), Labcorp
Classification: Uncertain significance for Familial cancer of breast; Fanconi anemia complementation group J. Last evaluated: 2018-03-05. Review status: criteria provided, single submitter. Criteria: Invitae Variant Classification Sherloc (09022015). Collection method: clinical testing. Allele origin: germline.
Comment: In summary, the available evidence is currently insufficient to determine the role of this variant in disease. Therefore, it has been classified as a Variant of Uncertain Significance. Algorithms developed to predict the effect of missense changes on protein structure and function (SIFT, PolyPhen-2, Align-GVGD) all suggest that this variant is likely to be disruptive, but these predictions have not been confirmed by published functional studies and their clinical significance is uncertain. This variant has not been reported in the literature in individuals with BRIP1-related disease. This variant is not present in population databases (ExAC no frequency). This sequence change replaces glutamine with proline at codon 258 of the BRIP1 protein (p.Gln258Pro). The glutamine residue is highly conserved and there is a moderate physicochemical difference between glutamine and proline.